The following is an entry in ClinVar:

ClinVar aggregate classification (germline): Uncertain significance (1 of 4 stars; one submission).

Conditions:
Hereditary cancer-predisposing syndrome. Also called: Hereditary neoplastic syndrome; Neoplastic Syndromes, Hereditary; Hereditary Cancer Syndrome; Tumor predisposition. Identifiers: Orphanet 140162, MedGen C0027672, MeSH D009386, MONDO:0015356.

gnomAD v4.1: 2 of 1,611,770 alleles (0.00012%); highest among the groups gnomAD compares: Non-Finnish European, 0.00017%; no homozygotes.

Submission:

Labcorp Genetics (formerly Invitae), Labcorp
Classification: Uncertain significance for Hereditary cancer-predisposing syndrome. Last evaluated: 2024-02-27. Review status: criteria provided, single submitter. Criteria: Invitae Variant Classification Sherloc (09022015). Collection method: clinical testing. Allele origin: germline.
Comment: This sequence change replaces aspartic acid, which is acidic and polar, with alanine, which is neutral and non-polar, at codon 434 of the RAD50 protein (p.Asp434Ala). This variant is not present in population databases (gnomAD no frequency). This variant has not been reported in the literature in individuals affected with RAD50-related conditions. Advanced modeling of protein sequence and biophysical properties (such as structural, functional, and spatial information, amino acid conservation, physicochemical variation, residue mobility, and thermodynamic stability) performed at Invitae indicates that this missense variant is not expected to disrupt RAD50 protein function with a negative predictive value of 80%. In summary, the available evidence is currently insufficient to determine the role of this variant in disease. Therefore, it has been classified as a Variant of Uncertain Significance.

NM_005732.4(RAD50):c.1301A>C (p.Asp434Ala)

Gene: RAD50 (RAD50 double strand break repair protein; plus strand). Cytogenetic location: 5q31.1.
Variant type: single nucleotide variant.
Coding change: c.1301A>C on transcript NM_005732.4 (MANE Select); coding-DNA position 1301, A replaced by C.
Protein change: p.Asp434Ala; replaces aspartic acid 434 with alanine.
Molecular consequence: missense variant.
Genome position (GRCh38, 1-based): chr5:132,589,686, A>C. VCF-style: chr5-132589686-A-C. GRCh37 (hg19) VCF-style: chr5-131925378-A-C.
Other names: short protein forms D434A.
Identifiers: ClinVar variation 2701378 (VCV002701378.3), dbSNP rs767816754, ClinGen allele CA360943727.
Genomic context (GRCh38, chr5:132,589,686, plus strand): 5'-TTTAGAATGACTTTGCAGAAAAAGAGACTCTGAAACAAAAACAGATAGATGAGATAAGAG[A>C]TAAGAAAACTGGACTGGGAAGAATAATTGAGTTAAAATCAGAAATCCTAAGTAAGAAGCA-3'
Protein context (NP_005723.2, residues 424-444): LKQKQIDEIR[Asp434Ala]KKTGLGRIIE